The following is an entry in ClinVar:

NM_007217.4(PDCD10):c.474G>T (p.Arg158Ser)

Gene: PDCD10 (programmed cell death 10; minus strand). Cytogenetic location: 3q26.1.
Variant type: single nucleotide variant.
Coding change: c.474G>T on transcript NM_007217.4 (MANE Select); coding-DNA position 474, G replaced by T.
Protein change: p.Arg158Ser; replaces arginine 158 with serine.
Molecular consequence: missense variant.
Genome position (GRCh38, 1-based): chr3:167,687,615, C>A on the plus strand (G>T on the coding strand, the complement: PDCD10 is on the minus strand). VCF-style: chr3-167687615-C-A. GRCh37 (hg19) VCF-style: chr3-167405403-C-A.
Other names: c.474G>T, p.Arg158Ser (NM_145859.2, NM_145860.2); short protein forms R158S.
Identifiers: ClinVar variation 1313458 (VCV001313458.2), dbSNP rs2108375013, ClinGen allele CA355154191.

ClinVar aggregate classification (germline): Uncertain significance (1 of 4 stars; one submission).

Submission:

GeneDx
Classification: Uncertain significance. Last evaluated: 2020-10-14. Review status: criteria provided, single submitter. Criteria: GeneDx Variant Classification Process June 2021. Collection method: clinical testing. Allele origin: germline. Affected: yes.
Comment: Not observed in large population cohorts (Lek et al., 2016); Has not been previously published as pathogenic or benign to our knowledge; In silico analysis supports that this missense variant does not alter protein structure/function